The following is an entry in ClinVar:

NM_000069.3(CACNA1S):c.4747G>A (p.Glu1583Lys)

Gene: CACNA1S (calcium voltage-gated channel subunit alpha1 S; minus strand). Cytogenetic location: 1q32.1.
Variant type: single nucleotide variant.
Coding change: c.4747G>A on transcript NM_000069.3 (MANE Select); coding-DNA position 4747, G replaced by A.
Protein change: p.Glu1583Lys; replaces glutamic acid 1583 with lysine.
Molecular consequence: missense variant.
Genome position (GRCh38, 1-based): chr1:201,044,378, C>T on the plus strand (G>A on the coding strand, the complement: CACNA1S is on the minus strand). VCF-style: chr1-201044378-C-T. GRCh37 (hg19) VCF-style: chr1-201013506-C-T.
Other names: short protein forms E1583K.
Identifiers: ClinVar variation 294714 (VCV000294714.46), dbSNP rs148273582, ClinGen allele CA083562.

ClinVar aggregate classification (germline): Conflicting classifications of pathogenicity. Review status: criteria provided, conflicting classifications (1 of 4 stars). 12 submissions from 9 submitters: Uncertain significance (1); Likely benign (10). 1 of the submissions does not count toward it. Last evaluated 2026-02-03.

Conditions:
CACNA1S-related disorder. Also called: CACNA1S-related condition.
Hypokalemic periodic paralysis, type 1. Also called: HypoPP; Hypokalemic Periodic Paralysis Type 1 (AD). Identifiers: Orphanet 681, MedGen C3714580, MONDO:0042979, OMIM 170400.
Malignant hyperthermia, susceptibility to, 5 (MHS5). Also called: CACNA1S-Related Malignant Hyperthermia Susceptibility. Identifiers: Orphanet 423, MedGen C1866077, MONDO:0011163, OMIM 601887.
Congenital myopathy 18. Also called: Myopathy, congenital, due to dihydropyridine receptor defect; DIHYDROPYRIDINE RECEPTOR CONGENITAL MYOPATHY; DHPR CONGENITAL MYOPATHY. Identifiers: MedGen C5830283, MONDO:0859514, OMIM 620246.
Thyrotoxic periodic paralysis, susceptibility to, 1 (TTPP1). Identifiers: Orphanet 79102, MedGen C2749982, MONDO:0008570, OMIM 188580.

Allele frequency attached by ClinVar (database versions not stated): ExAC 0.00023; gnomAD 0.00026; gnomAD exomes 0.00027; TOPMed 0.00027; ESP Exome Variant Server 0.00031; 1000 Genomes Project 0.00080; 1000 Genomes Project 30x 0.00094.
gnomAD v4.1: 481 of 1,613,780 alleles (0.03%); highest among the groups gnomAD compares: Admixed American, 0.042%; 1 homozygote.

Submissions (12):

Labcorp Genetics (formerly Invitae), Labcorp
Classification: Likely benign for Hypokalemic periodic paralysis, type 1; Malignant hyperthermia, susceptibility to, 5. Last evaluated: 2026-02-03. Review status: criteria provided, single submitter. Criteria: Invitae Variant Classification Sherloc (09022015). Collection method: clinical testing. Allele origin: germline.

CeGaT Center for Human Genetics Tuebingen
Classification: Likely benign. Last evaluated: 2026-01-01. Review status: criteria provided, single submitter. Criteria: CeGaT Center For Human Genetics Tuebingen Variant Classification Criteria Version 2. Collection method: clinical testing. Allele origin: germline. Affected: yes. Observed: 7 variant alleles.
Comment: CACNA1S: BS2

Blueprint Genetics
Classification: Uncertain significance. Last evaluated: 2024-11-22. Review status: criteria provided, single submitter. Criteria: ACMG Guidelines, 2015. Collection method: clinical testing. Allele origin: germline.

All of Us Research Program, National Institutes of Health
Classification: Likely benign for Malignant hyperthermia, susceptibility to, 5. Last evaluated: 2024-09-23. Review status: criteria provided, single submitter. Criteria: ACMG Guidelines, 2015. Collection method: clinical testing. Allele origin: germline. Inheritance: Autosomal dominant inheritance. Observed: 99 variant alleles, 99 heterozygotes.
Comment: This study involves interpretation of variants in research participants for the purpose of population health screening. Participant phenotype was not available at the time of variant classification. Additional details can be found in publication PMID: 35346344, PMCID: PMC8962531

Women's Health and Genetics/Laboratory Corporation of America, LabCorp
Classification: Likely benign. Last evaluated: 2023-05-16. Review status: criteria provided, single submitter. Criteria: LabCorp Variant Classification Summary - May 2015. Collection method: clinical testing. Allele origin: germline.
Comment: Variant summary: CACNA1S c.4747G>A (p.Glu1583Lys) results in a conservative amino acid change located in the Voltage-dependent calcium channel, alpha-1 subunit, IQ domain (IPR014873) of the encoded protein sequence. Three of five in-silico tools predict a damaging effect of the variant on protein function. The variant allele was found at a frequency of 0.00027 in 251234 control chromosomes (gnomAD). The observed variant frequency is approximately 220 fold of the estimated maximal expected allele frequency for a pathogenic variant in CACNA1S causing Hypokalemic Periodic Paralysis (1.3e-06), strongly suggesting that the variant is benign. To our knowledge, no experimental evidence demonstrating its impact on protein function have been reported. Two ClinVar submitters have assessed the variant since 2014: both classified the variant as likely benign. Based on the evidence outlined above, the variant was classified as likely benign.

Genome-Nilou Lab
Classification: Likely benign for Malignant hyperthermia, susceptibility to, 5. Last evaluated: 2023-04-11. Review status: criteria provided, single submitter. Criteria: ACMG Guidelines, 2015. Collection method: clinical testing. Allele origin: germline. Affected: no.

Genome-Nilou Lab
Classification: Likely benign for Thyrotoxic periodic paralysis, susceptibility to, 1. Last evaluated: 2023-04-11. Review status: criteria provided, single submitter. Criteria: ACMG Guidelines, 2015. Collection method: clinical testing. Allele origin: germline. Affected: no.

Genome-Nilou Lab
Classification: Likely benign for Congenital myopathy 18. Last evaluated: 2023-04-11. Review status: criteria provided, single submitter. Criteria: ACMG Guidelines, 2015. Collection method: clinical testing. Allele origin: germline. Affected: no.

Genome-Nilou Lab
Classification: Likely benign for Hypokalemic periodic paralysis, type 1. Last evaluated: 2023-04-11. Review status: criteria provided, single submitter. Criteria: ACMG Guidelines, 2015. Collection method: clinical testing. Allele origin: germline. Affected: no.

Color Diagnostics, LLC DBA Color Health
Classification: Likely benign for Malignant hyperthermia, susceptibility to, 5. Last evaluated: 2022-11-28. Review status: criteria provided, single submitter. Criteria: ACMG Guidelines, 2015. Collection method: clinical testing. Allele origin: germline.

Illumina Laboratory Services, Illumina
Classification: Likely benign for Hypokalemic periodic paralysis, type 1. Last evaluated: 2018-01-13. Review status: criteria provided, single submitter. Criteria: ICSL Variant Classification Criteria 13 December 2019. Collection method: clinical testing. Allele origin: germline.
Comment: This variant was observed in the ICSL laboratory as part of a predisposition screen in an ostensibly healthy population. It had not been previously curated by ICSL or reported in the Human Gene Mutation Database (HGMD: prior to June 1st, 2018), and was therefore a candidate for classification through an automated scoring system. Utilizing variant allele frequency, disease prevalence and penetrance estimates, and inheritance mode, an automated score was calculated to assess if this variant is too frequent to cause the disease. Based on the score and internal cut-off values, a variant classified as likely benign is not then subjected to further curation. The score for this variant resulted in a classification of likely benign for this disease.

PreventionGenetics, part of Exact Sciences
Classification: Likely benign for CACNA1S-related condition. Last evaluated: 2020-02-14. Review status: no assertion criteria provided. Collection method: clinical testing. Allele origin: germline. Not counted in ClinVar's aggregate classification.
Comment: This variant is classified as likely benign based on ACMG/AMP sequence variant interpretation guidelines (Richards et al. 2015 PMID: 25741868, with internal and published modifications).